The following is an entry in ClinVar:

NM_017534.6(MYH2):c.5263C>T (p.Arg1755Cys)

Genes: MYH2 (myosin heavy chain 2; minus strand), MYHAS (myosin heavy chain gene cluster antisense RNA; plus strand). Cytogenetic location: 17p13.1.
Variant type: single nucleotide variant.
Coding change: c.5263C>T on transcript NM_017534.6 (MANE Select); coding-DNA position 5263, C replaced by T.
Protein change: p.Arg1755Cys; replaces arginine 1755 with cysteine.
Molecular consequence: missense variant.
Genome position (GRCh38, 1-based): chr17:10,523,797, G>A on the plus strand (C>T on the coding strand, the complement: MYH2 is on the minus strand). VCF-style: chr17-10523797-G-A. GRCh37 (hg19) VCF-style: chr17-10427114-G-A.
Other names: c.5263C>T, p.Arg1755Cys (NM_001100112.2); short protein forms R1755C.
Identifiers: ClinVar variation 432880 (VCV000432880.16), dbSNP rs202006788, ClinGen allele CA8390447.

ClinVar aggregate classification (germline): Uncertain significance. Review status: criteria provided, multiple submitters, no conflicts (2 of 4 stars). 5 submissions from 5 submitters: Uncertain significance (5). Last evaluated 2026-01-15.

Conditions:
Inborn genetic diseases. Identifiers: MedGen C0950123, MeSH D030342.
Myopathy, proximal, and ophthalmoplegia (CMYO6). Also called: MYOPATHY WITH CONGENITAL JOINT CONTRACTURES, OPHTHALMOPLEGIA, AND RIMMED VACUOLES; INCLUSION BODY MYOPATHY 3, AUTOSOMAL DOMINANT; CONGENITAL MYOPATHY 6 WITH OPHTHALMOPLEGIA. Identifiers: Orphanet 363677, Orphanet 79091, MedGen C1854106, MONDO:0011577, OMIM 605637.

Allele frequency attached by ClinVar (database versions not stated): gnomAD exomes 0.00006; ExAC 0.00003; gnomAD 0.00008; 1000 Genomes Project 0.00020; TOPMed 0.00011; ESP Exome Variant Server 0.00015; 1000 Genomes Project 30x 0.00016.
gnomAD v4.1: 88 of 1,614,078 alleles (0.0055%); highest among the groups gnomAD compares: Admixed American, 0.03%; no homozygotes.

Submissions (5):

Dasa
Classification: Uncertain significance for Myopathy, proximal, and ophthalmoplegia. Last evaluated: 2026-01-15. Review status: criteria provided, single submitter. Criteria: DASA Assertion Criteria. Collection method: clinical testing. Allele origin: germline.
Comment: NM_017534.6(MYH2):c.5263C>T (p.Arg1755Cys) is a missense variant that results in the substitution of arginine with cysteine. This variant has been observed in affected individuals with MYH2-related disorders. Also, this variant is rare in population databases. Computational prediction algorithms are consistent with a deleterious effect. The currently available literature and clinical evidence are not sufficient to establish a definitive association between this variant and the reported condition. Therefore, this variant is classified as a variant of uncertain significance.

Labcorp Genetics (formerly Invitae), Labcorp
Classification: Uncertain significance for Myopathy, proximal, and ophthalmoplegia. Last evaluated: 2025-05-19. Review status: criteria provided, single submitter. Criteria: Invitae Variant Classification Sherloc (09022015). Collection method: clinical testing. Allele origin: germline.
Comment: This sequence change replaces arginine, which is basic and polar, with cysteine, which is neutral and slightly polar, at codon 1755 of the MYH2 protein (p.Arg1755Cys). This variant is present in population databases (rs202006788, gnomAD 0.01%). This variant has not been reported in the literature in individuals affected with MYH2-related conditions. ClinVar contains an entry for this variant (Variation ID: 432880). Invitae Evidence Modeling of protein sequence and biophysical properties (such as structural, functional, and spatial information, amino acid conservation, physicochemical variation, residue mobility, and thermodynamic stability) indicates that this missense variant is not expected to disrupt MYH2 protein function with a negative predictive value of 80%. In summary, the available evidence is currently insufficient to determine the role of this variant in disease. Therefore, it has been classified as a Variant of Uncertain Significance.

Ambry Genetics
Classification: Uncertain significance for Inborn genetic diseases. Last evaluated: 2024-11-19. Review status: criteria provided, single submitter. Criteria: Ambry Variant Classification Scheme 2023. Collection method: clinical testing. Allele origin: germline.

Women's Health and Genetics/Laboratory Corporation of America, LabCorp
Classification: Uncertain significance. Last evaluated: 2024-01-08. Review status: criteria provided, single submitter. Criteria: LabCorp Variant Classification Summary - May 2015. Collection method: clinical testing. Allele origin: germline.
Comment: Variant summary: MYH2 c.5263C>T (p.Arg1755Cys) results in a non-conservative amino acid change located in the Myosin tail (IPR002928) of the encoded protein sequence. Five of five in-silico tools predict a damaging effect of the variant on protein function. The variant allele was found at a frequency of 6e-05 in 251428 control chromosomes. To our knowledge, no occurrence of c.5263C>T in individuals affected with Myopathy, Proximal, And Ophthalmoplegia and no experimental evidence demonstrating its impact on protein function have been reported. ClinVar contains an entry for this variant (Variation ID: 432880). Based on the evidence outlined above, the variant was classified as uncertain significance.

GeneDx
Classification: Uncertain significance. Last evaluated: 2023-03-29. Review status: criteria provided, single submitter. Criteria: GeneDx Variant Classification Process June 2021. Collection method: clinical testing. Allele origin: germline. Affected: yes.
Comment: In silico analysis supports that this missense variant has a deleterious effect on protein structure/function; Has not been previously published as pathogenic or benign to our knowledge